The following is an entry in ClinVar:

ClinVar aggregate classification (germline): Uncertain significance (1 of 4 stars; one submission).

Conditions:
Acromesomelic dysplasia 1, Maroteaux type (AMD1). Also called: ACROMESOMELIC DYSPLASIA 1; ST. HELENA DYSPLASIA. Identifiers: Orphanet 40, MedGen C1864356, MONDO:0011275, OMIM 602875.
Tall stature-scoliosis-macrodactyly of the great toes syndrome. Also called: Epiphyseal chondrodysplasia, miura type. Identifiers: Orphanet 329191, MedGen C4014690, MONDO:0014401, OMIM 615923.

Submission:

Labcorp Genetics (formerly Invitae), Labcorp
Classification: Uncertain significance for Tall stature-scoliosis-macrodactyly of the great toes syndrome; Acromesomelic dysplasia 1, Maroteaux type. Last evaluated: 2024-12-30. Review status: criteria provided, single submitter. Criteria: Invitae Variant Classification Sherloc (09022015). Collection method: clinical testing. Allele origin: germline.
Comment: This sequence change replaces tyrosine, which is neutral and polar, with cysteine, which is neutral and slightly polar, at codon 181 of the NPR2 protein (p.Tyr181Cys). This variant is not present in population databases (gnomAD no frequency). This variant has not been reported in the literature in individuals affected with NPR2-related conditions. ClinVar contains an entry for this variant (Variation ID: 2427972). Invitae Evidence Modeling of protein sequence and biophysical properties (such as structural, functional, and spatial information, amino acid conservation, physicochemical variation, residue mobility, and thermodynamic stability) has been performed for this missense variant. However, the output from this modeling did not meet the statistical confidence thresholds required to predict the impact of this variant on NPR2 protein function. In summary, the available evidence is currently insufficient to determine the role of this variant in disease. Therefore, it has been classified as a Variant of Uncertain Significance.

NM_003995.4(NPR2):c.542A>G (p.Tyr181Cys)

Gene: NPR2 (natriuretic peptide receptor 2; plus strand). Cytogenetic location: 9p13.3.
Variant type: single nucleotide variant.
Coding change: c.542A>G on transcript NM_003995.4 (MANE Select); coding-DNA position 542, A replaced by G.
Protein change: p.Tyr181Cys; replaces tyrosine 181 with cysteine.
Molecular consequence: missense variant.
Genome position (GRCh38, 1-based): chr9:35,792,950, A>G. VCF-style: chr9-35792950-A-G. GRCh37 (hg19) VCF-style: chr9-35792947-A-G.
Other names: c.542A>G, p.Tyr181Cys (NM_001378923.1); short protein forms Y181C.
Identifiers: ClinVar variation 2427972 (VCV002427972.8), dbSNP rs2491029479, ClinGen allele CA373364911.
Genomic context (GRCh38, chr9:35,792,950, plus strand): 5'-ATTGGACTGCCCGTGCTGCCTTGCTGTACCTGGATGCTCGCACAGATGACCGGCCTCACT[A>G]CTTCACCATCGAGGGCGTCTTTGAGGCCCTGCAGGGCAGCAACCTCAGTGTGCAGCACCA-3'
Protein context (NP_003986.2, residues 171-191): LDARTDDRPH[Tyr181Cys]FTIEGVFEAL